The following is an entry in ClinVar:

NM_016932.5(SIX2):c.635C>G (p.Ser212Trp)

Gene: SIX2 (SIX homeobox 2; minus strand). Cytogenetic location: 2p21.
Variant type: single nucleotide variant.
Coding change: c.635C>G on transcript NM_016932.5 (MANE Select); coding-DNA position 635, C replaced by G.
Protein change: p.Ser212Trp; replaces serine 212 with tryptophan.
Molecular consequence: missense variant.
Genome position (GRCh38, 1-based): chr2:45,006,411, G>C on the plus strand (C>G on the coding strand, the complement: SIX2 is on the minus strand). VCF-style: chr2-45006411-G-C. GRCh37 (hg19) VCF-style: chr2-45233550-G-C.
Other names: short protein forms S212W.
Identifiers: ClinVar variation 4165638 (VCV004165638.2).

ClinVar aggregate classification (germline): Uncertain significance. Review status: criteria provided, multiple submitters, no conflicts (2 of 4 stars). 2 submissions from 2 submitters: Uncertain significance (2). Last evaluated 2025-09-22.

gnomAD v4.1: 2 of 1,614,044 alleles (0.00012%); highest among the groups gnomAD compares: African/African-American, 0.0013%; no homozygotes.

Submissions (2):

Labcorp Genetics (formerly Invitae), Labcorp
Classification: Uncertain significance. Last evaluated: 2025-09-22. Review status: criteria provided, single submitter. Criteria: Invitae Variant Classification Sherloc (09022015). Collection method: clinical testing. Allele origin: germline.
Comment: This sequence change replaces serine, which is neutral and polar, with tryptophan, which is neutral and slightly polar, at codon 212 of the SIX2 protein (p.Ser212Trp). This variant is not present in population databases (gnomAD no frequency). This variant has not been reported in the literature in individuals affected with SIX2-related conditions. Invitae Evidence Modeling of protein sequence and biophysical properties (such as structural, functional, and spatial information, amino acid conservation, physicochemical variation, residue mobility, and thermodynamic stability) indicates that this missense variant is not expected to disrupt SIX2 protein function with a negative predictive value of 80%. In summary, the available evidence is currently insufficient to determine the role of this variant in disease. Therefore, it has been classified as a Variant of Uncertain Significance.

Ambry Genetics
Classification: Uncertain significance. Last evaluated: 2025-06-25. Review status: criteria provided, single submitter. Criteria: Ambry Variant Classification Scheme 2023. Collection method: clinical testing. Allele origin: germline.